The following is an entry in ClinVar:

ClinVar aggregate classification (germline): Uncertain significance. Review status: criteria provided, multiple submitters, no conflicts (2 of 4 stars). 3 submissions from 3 submitters: Uncertain significance (3). Last evaluated 2024-02-17.

Conditions:
Brown-Vialetto-van Laere syndrome 2. Also called: SPINOCEREBELLAR ATAXIA WITH BLINDNESS AND DEAFNESS 2; Riboflavin transporter deficiency type 2. Identifiers: Orphanet 572543, Orphanet 97229, MedGen C3553538, MONDO:0013867, OMIM 614707.
Inborn genetic diseases. Identifiers: MedGen C0950123, MeSH D030342.

Allele frequency attached by ClinVar (database versions not stated): TOPMed below 0.00001; gnomAD 0.00001; gnomAD exomes below 0.00001.

Submissions (3):

Labcorp Genetics (formerly Invitae), Labcorp
Classification: Uncertain significance for Brown-Vialetto-van Laere syndrome 2. Last evaluated: 2024-02-17. Review status: criteria provided, single submitter. Criteria: Invitae Variant Classification Sherloc (09022015). Collection method: clinical testing. Allele origin: germline.
Comment: This sequence change replaces glycine, which is neutral and non-polar, with serine, which is neutral and polar, at codon 409 of the SLC52A2 protein (p.Gly409Ser). This variant is present in population databases (no rsID available, gnomAD 0.003%). This variant has not been reported in the literature in individuals affected with SLC52A2-related conditions. ClinVar contains an entry for this variant (Variation ID: 839705). Advanced modeling of protein sequence and biophysical properties (such as structural, functional, and spatial information, amino acid conservation, physicochemical variation, residue mobility, and thermodynamic stability) performed at Invitae indicates that this missense variant is not expected to disrupt SLC52A2 protein function with a negative predictive value of 80%. In summary, the available evidence is currently insufficient to determine the role of this variant in disease. Therefore, it has been classified as a Variant of Uncertain Significance.

Ambry Genetics
Classification: Uncertain significance for Inborn genetic diseases. Last evaluated: 2023-02-06. Review status: criteria provided, single submitter. Criteria: Ambry Variant Classification Scheme 2023. Collection method: clinical testing. Allele origin: germline.

Baylor Genetics
Classification: Uncertain significance for Brown-Vialetto-van Laere syndrome 2. Last evaluated: 2019-03-27. Review status: criteria provided, single submitter. Criteria: ACMG Guidelines, 2015. Collection method: clinical testing. Allele origin: unknown. Affected: yes.
Comment: This variant was determined to be of uncertain significance according to ACMG Guidelines, 2015 [PMID:25741868].

NM_001363118.2(SLC52A2):c.1225G>A (p.Gly409Ser)

Gene: SLC52A2 (solute carrier family 52 member 2; plus strand). Cytogenetic location: 8q24.3.
Variant type: single nucleotide variant.
Coding change: c.1225G>A on transcript NM_001363118.2 (MANE Select); coding-DNA position 1225, G replaced by A.
Protein change: p.Gly409Ser; replaces glycine 409 with serine.
Molecular consequence: missense variant. On other transcripts: non-coding transcript variant (1).
Genome position (GRCh38, 1-based): chr8:144,360,902, G>A. VCF-style: chr8-144360902-G-A. GRCh37 (hg19) VCF-style: chr8-145584562-G-A.
Other names: c.1225G>A, p.Gly409Ser (NM_001253815.2, NM_001253816.2, NM_001363120.2 and 2 more transcripts); c.733G>A, p.Gly245Ser (NM_001363122.2); c.1225G>A (NM_024531.3); short protein forms G245S, G409S.
Identifiers: ClinVar variation 839705 (VCV000839705.9), dbSNP rs1216775653, ClinGen allele CA372630104.